The following is an entry in ClinVar:

NC_000001.11:g.(?_17018722)_(17018958_?)del

Gene: SDHB (succinate dehydrogenase complex iron sulfur subunit B; minus strand). Cytogenetic location: 1p36.13.
Variant type: Deletion.
Identifiers: ClinVar variation 417579 (VCV000417579.1).

ClinVar aggregate classification (germline): Uncertain significance (1 of 4 stars; one submission).

Conditions:
Pheochromocytoma/paraganglioma syndrome 4. Also called: PARAGANGLIOMA, FAMILIAL MALIGNANT; PARAGANGLIOMAS, HEREDITARY EXTRAADRENAL; PHEOCHROMOCYTOMA, FAMILIAL EXTRAADRENAL; Paragangliomas 4; CAROTID BODY TUMORS AND MULTIPLE EXTRAADRENAL PHEOCHROMOCYTOMAS; SDHB-Related Hereditary Paraganglioma-Pheochromocytoma Syndrome (Paragangliomas 4). Identifiers: Orphanet 29072, MedGen C1861848, MONDO:0007273, OMIM 115310.
Gastrointestinal stromal tumor. Also called: Gastrointestinal stroma tumor; Gastrointestinal stromal tumor, somatic. Identifiers: Orphanet 44890, MedGen C0238198, MeSH D046152, MONDO:0011719, OMIM 606764, HP:0100723.
Pheochromocytoma. Also called: MAX-Related Hereditary Paraganglioma-Pheochromocytoma Syndrome. Identifiers: Orphanet 29072, MedGen C0031511, MONDO:0008233, OMIM 171300, HP:0002666.

Submission:

Labcorp Genetics (formerly Invitae), Labcorp
Classification: Uncertain significance for Gastrointestinal stromal tumor; Pheochromocytoma/paraganglioma syndrome 4; Pheochromocytoma. Last evaluated: 2016-06-21. Review status: criteria provided, single submitter. Criteria: Invitae Variant Classification Sherloc (09022015). Collection method: clinical testing. Allele origin: germline.
Comment: This variant is a gross deletion of the genomic region encompassing exon 8 of the SDHB gene. The 5' boundary is likely confined to intron 7. The 3' end of this event is unknown as it extends through the termination codon beyond the assayed region for this gene and may encompass additional genes. While this deletion is not anticipated to result in nonsense mediated decay, it is expected to create a truncated SDHB protein. Deletions of exon 8 have not been reported in the literature in individuals with a SDHB-related disease. While this deletion is expected to result in a truncated SDHB protein, the effects of this on SDHB protein function are unknown. Therefore, it has been classified as a Variant of Uncertain Significance.